The following is an entry in ClinVar:

NM_025099.6(CTC1):c.3302C>T (p.Pro1101Leu)

Gene: CTC1 (CST telomere replication complex component 1; minus strand). Cytogenetic location: 17p13.1.
Variant type: single nucleotide variant.
Coding change: c.3302C>T on transcript NM_025099.6 (MANE Select); coding-DNA position 3302, C replaced by T.
Protein change: p.Pro1101Leu; replaces proline 1101 with leucine.
Molecular consequence: missense variant. On other transcripts: non-coding transcript variant (1), intron variant (1).
Genome position (GRCh38, 1-based): chr17:8,228,812, G>A on the plus strand (C>T on the coding strand, the complement: CTC1 is on the minus strand). VCF-style: chr17-8228812-G-A. GRCh37 (hg19) VCF-style: chr17-8132130-G-A.
Other names: c.3157-183C>T (NM_001411067.1); short protein forms P1101L.
Identifiers: ClinVar variation 2727186 (VCV002727186.3), dbSNP rs1336421500, ClinGen allele CA397969278.
Genomic context (GRCh38, chr17:8,228,812, plus strand): 5'-AACTGCAAGACCACTCTGCCTGGCACTTGGACGAAATCTAGGAGGGAGGCCCACTCTCTA[G>A]GACACAGCCCTAGTGCTGCTGCCACATGGTGATTCCTACAGGTCACCACGGCTTCGGCAG-3'
Protein context (NP_079375.3, residues 1091-1111): HHVAAALGLC[Pro1101Leu]REWASLLDFV

ClinVar aggregate classification (germline): Uncertain significance (1 of 4 stars; one submission).

Conditions:
Dyskeratosis congenita. Identifiers: Orphanet 1775, MedGen C0265965, MONDO:0015780.

Submission:

Labcorp Genetics (formerly Invitae), Labcorp
Classification: Uncertain significance for Dyskeratosis congenita. Last evaluated: 2022-10-31. Review status: criteria provided, single submitter. Criteria: Invitae Variant Classification Sherloc (09022015). Collection method: clinical testing. Allele origin: germline.
Comment: In summary, the available evidence is currently insufficient to determine the role of this variant in disease. Therefore, it has been classified as a Variant of Uncertain Significance. Advanced modeling of protein sequence and biophysical properties (such as structural, functional, and spatial information, amino acid conservation, physicochemical variation, residue mobility, and thermodynamic stability) performed at Invitae indicates that this missense variant is expected to disrupt CTC1 protein function. This variant has not been reported in the literature in individuals affected with CTC1-related conditions. This variant is not present in population databases (gnomAD no frequency). This sequence change replaces proline, which is neutral and non-polar, with leucine, which is neutral and non-polar, at codon 1101 of the CTC1 protein (p.Pro1101Leu).